The following is an entry in ClinVar:

ClinVar aggregate classification (germline): Uncertain significance (1 of 4 stars; one submission).

Conditions:
Hereditary cancer-predisposing syndrome. Also called: Hereditary neoplastic syndrome; Tumor predisposition; Neoplastic Syndromes, Hereditary; Hereditary Cancer Syndrome. Identifiers: Orphanet 140162, MedGen C0027672, MeSH D009386, MONDO:0015356.

Allele frequency attached by ClinVar (database versions not stated): gnomAD exomes below 0.00001.
gnomAD v4.1: 1 of 1,614,090 alleles (0.000062%); highest among the groups gnomAD compares: East Asian, 0.0022%; no homozygotes.

Submission:

Sema4
Classification: Uncertain significance for Hereditary cancer-predisposing syndrome. Last evaluated: 2021-06-30. Review status: criteria provided, single submitter. Criteria: Sema4 Curation Guidelines. Collection method: curation. Allele origin: germline.
Comment: The ALK c.3248T>G (p.L1083R) variant has not been reported in the literature to our knowledge. It was observed in 1/18394 chromosomes of the East Asian subpopulation in the large and broad cohorts of the Genome Aggregation Database (PMID: 32461654). This variant has not been reported in ClinVar. In silico tools suggest the impact of the variant on protein function is deleterious, though these predictions have not been confirmed by functional studies. The evidence is insufficient to meet ACMG/AMP criteria for classifying the variant as benign or pathogenic. Thus, the clinical significance of this variant is currently uncertain.

NM_004304.5(ALK):c.3248T>G (p.Leu1083Arg)

Gene: ALK (ALK receptor tyrosine kinase; minus strand). Cytogenetic location: 2p23.2.
Variant type: single nucleotide variant.
Coding change: c.3248T>G on transcript NM_004304.5 (MANE Select); coding-DNA position 3248, T replaced by G.
Protein change: p.Leu1083Arg; replaces leucine 1083 with arginine.
Molecular consequence: missense variant.
Genome position (GRCh38, 1-based): chr2:29,223,453, A>C on the plus strand (T>G on the coding strand, the complement: ALK is on the minus strand). VCF-style: chr2-29223453-A-C. GRCh37 (hg19) VCF-style: chr2-29446319-A-C.
Other names: c.44T>G, p.Leu15Arg (NM_001353765.2); short protein forms L1083R, L15R.
Identifiers: ClinVar variation 1692782 (VCV001692782.1), dbSNP rs1452386636, ClinGen allele CA346465224.